The following is an entry in ClinVar:

ClinVar aggregate classification (germline): Pathogenic (1 of 4 stars; one submission).

Conditions:
Primary ciliary dyskinesia. Also called: Ciliary dyskinesia. Identifiers: Orphanet 244, MedGen C0008780, MONDO:0016575, HP:0012265.

Submission:

Labcorp Genetics (formerly Invitae), Labcorp
Classification: Pathogenic for Primary ciliary dyskinesia. Last evaluated: 2022-12-07. Review status: criteria provided, single submitter. Criteria: Invitae Variant Classification Sherloc (09022015). Collection method: clinical testing. Allele origin: germline.
Comment: For these reasons, this variant has been classified as Pathogenic. This variant has not been reported in the literature in individuals affected with CCDC39-related conditions. This variant is not present in population databases (gnomAD no frequency). This sequence change creates a premature translational stop signal (p.Lys114Argfs*19) in the CCDC39 gene. It is expected to result in an absent or disrupted protein product. Loss-of-function variants in CCDC39 are known to be pathogenic (PMID: 21131972, 23255504).

Literature cited by the submitters: PubMed 21131972; PubMed 23255504.

NM_181426.2(CCDC39):c.341del (p.Lys114fs)

Gene: CCDC39 (coiled-coil domain 39 molecular ruler complex subunit; minus strand). Cytogenetic location: 3q26.33.
Variant type: Deletion.
Coding change: c.341del on transcript NM_181426.2 (MANE Select); coding-DNA position 341, one base deleted (A; older notation c.341delA).
Protein change: p.Lys114fs; shifts the reading frame from lysine 114.
Molecular consequence: frameshift variant.
Genome position (GRCh38, 1-based): chr3:180,661,877, T deleted on the plus strand (A on the coding strand, the reverse complement: CCDC39 is on the minus strand); the first of 4 consecutive T bases (chr3:180,661,877-180,661,880); deleting any one gives the same sequence. VCF-style (leftmost placement, unchanged base first): chr3-180661876-CT-C. GRCh37 (hg19) VCF-style: chr3-180379664-CT-C.
Other names: short protein forms K114fs.
Identifiers: ClinVar variation 2819222 (VCV002819222.3), dbSNP rs2473826155, ClinGen allele CA2668664793.
Genomic context (GRCh38, chr3:180,661,876, plus strand): 5'-GAATGAGCAGTAGCACAGAATTTTAAGTAATATTTCAACATATACTTCTTTATCACTTTT[CT>C]TTTCCAGTATTGAAGCCATCTCATTTTCCAGCCGTTGAATTTCATCTTTCACTCGTCCCA-3'